The following is an entry in ClinVar:

NM_018975.4(TERF2IP):c.182C>T (p.Ala61Val)

Gene: TERF2IP (TERF2 interacting protein; plus strand). Cytogenetic location: 16q23.1.
Variant type: single nucleotide variant.
Coding change: c.182C>T on transcript NM_018975.4 (MANE Select); coding-DNA position 182, C replaced by T.
Protein change: p.Ala61Val; replaces alanine 61 with valine.
Molecular consequence: missense variant. On other transcripts: non-coding transcript variant (1).
Genome position (GRCh38, 1-based): chr16:75,648,064, C>T. VCF-style: chr16-75648064-C-T. GRCh37 (hg19) VCF-style: chr16-75681962-C-T.
Other names: short protein forms A61V.
Identifiers: ClinVar variation 4722360 (VCV004722360.1).
Genomic context (GRCh38, chr16:75,648,064, plus strand): 5'-GGCTGTCGACGCTCATCCTGCACGGCGGCGGCACCGTGTGCCGAGTGCAGGAGCCCGGGG[C>T]CGTGCTGCTGGCCCAGCCCGGGGAGGCGCTGGCCGAGGCCTCGGGTGATTTCATCTCCAC-3'
Protein context (NP_061848.2, residues 51-71): GTVCRVQEPG[Ala61Val]VLLAQPGEAL

ClinVar aggregate classification (germline): Uncertain significance (1 of 4 stars; one submission).

Submission:

Labcorp Genetics (formerly Invitae), Labcorp
Classification: Uncertain significance. Last evaluated: 2025-06-29. Review status: criteria provided, single submitter. Criteria: Invitae Variant Classification Sherloc (09022015). Collection method: clinical testing. Allele origin: germline.
Comment: This sequence change replaces alanine, which is neutral and non-polar, with valine, which is neutral and non-polar, at codon 61 of the TERF2IP protein (p.Ala61Val). This variant is not present in population databases (gnomAD no frequency). This variant has not been reported in the literature in individuals affected with TERF2IP-related conditions. An algorithm developed to predict the effect of missense changes on protein structure and function (PolyPhen-2) suggests that this variant is likely to be disruptive. In summary, the available evidence is currently insufficient to determine the role of this variant in disease. Therefore, it has been classified as a Variant of Uncertain Significance.